The following is an entry in ClinVar:

ClinVar aggregate classification (germline): Uncertain significance (1 of 4 stars; one submission).

Conditions:
Symmetrical dyschromatosis of extremities (DSH). Also called: RETICULATE ACROPIGMENTATION OF DOHI; SYMMETRIC DYSCHROMATOSIS OF THE EXTREMITIES; Dyschromatosis symmetrica hereditaria; DYSCHROMATOSIS SYMMETRICA HEREDITARIA 1. Identifiers: Orphanet 41, MedGen C0406775, MONDO:0007483, OMIM 127400.
Aicardi-Goutieres syndrome 6 (AGS6). Identifiers: Orphanet 51, MedGen C3539013, MONDO:0014007, OMIM 615010.

gnomAD v4.1: 1 of 1,614,202 alleles (0.000062%); highest among the groups gnomAD compares: Non-Finnish European, 0.000085%; no homozygotes.

Submission:

Labcorp Genetics (formerly Invitae), Labcorp
Classification: Uncertain significance for Aicardi-Goutieres syndrome 6; Symmetrical dyschromatosis of extremities. Last evaluated: 2026-01-19. Review status: criteria provided, single submitter. Criteria: Invitae Variant Classification Sherloc (09022015). Collection method: clinical testing. Allele origin: germline.
Comment: This sequence change replaces cysteine, which is neutral and slightly polar, with tyrosine, which is neutral and polar, at codon 1036 of the ADAR protein (p.Cys1036Tyr). This variant is not present in population databases (gnomAD no frequency). This missense change has been observed in individual(s) with dyschromatosis symmetrica hereditaria (PMID: 22336994). ClinVar contains an entry for this variant (Variation ID: 1403038). Invitae Evidence Modeling of protein sequence and biophysical properties (such as structural, functional, and spatial information, amino acid conservation, physicochemical variation, residue mobility, and thermodynamic stability) has been performed for this missense variant. However, the output from this modeling did not meet the statistical confidence thresholds required to predict the impact of this variant on ADAR protein function. In summary, the available evidence is currently insufficient to determine the role of this variant in disease. Therefore, it has been classified as a Variant of Uncertain Significance.

Literature cited by the submitters: PubMed 22336994.

NM_001111.5(ADAR):c.3107G>A (p.Cys1036Tyr)

Gene: ADAR (adenosine deaminase RNA specific; minus strand). Cytogenetic location: 1q21.3.
Variant type: single nucleotide variant.
Coding change: c.3107G>A on transcript NM_001111.5 (MANE Select); coding-DNA position 3107, G replaced by A.
Protein change: p.Cys1036Tyr; replaces cysteine 1036 with tyrosine.
Molecular consequence: missense variant.
Genome position (GRCh38, 1-based): chr1:154,586,276, C>T on the plus strand (G>A on the coding strand, the complement: ADAR is on the minus strand). VCF-style: chr1-154586276-C-T. GRCh37 (hg19) VCF-style: chr1-154558752-C-T.
Other names: c.2222G>A, p.Cys741Tyr (NM_001025107.3, NM_001193495.2, NM_001365046.1 and 2 more transcripts); c.3134G>A, p.Cys1045Tyr (NM_001365045.1); c.2144G>A, p.Cys715Tyr (NM_001365049.1); c.3029G>A, p.Cys1010Tyr (NM_015840.4); c.2972G>A, p.Cys991Tyr (NM_015841.4); short protein forms C1036Y, C741Y, C1010Y, C991Y, C1045Y, C715Y.
Identifiers: ClinVar variation 1403038 (VCV001403038.8), dbSNP rs761590986, ClinGen allele CA342635717.